The following is an entry in ClinVar:

ClinVar aggregate classification (germline): Pathogenic/Likely pathogenic. Review status: criteria provided, multiple submitters, no conflicts (2 of 4 stars). 6 submissions from 6 submitters: Pathogenic (3); Likely pathogenic (3). Last evaluated 2026-06-02.

Conditions:
Bloom syndrome (BLM). Also called: Bloom-Torre-Machacek syndrome. Identifiers: Orphanet 125, MedGen C0005859, MONDO:0008876, OMIM 210900.
Hereditary cancer-predisposing syndrome. Also called: Neoplastic Syndromes, Hereditary; Tumor predisposition; Hereditary Cancer Syndrome; Hereditary neoplastic syndrome. Identifiers: Orphanet 140162, MedGen C0027672, MeSH D009386, MONDO:0015356.

Allele frequency attached by ClinVar (database versions not stated): gnomAD exomes below 0.00001; ExAC 0.00001; TOPMed 0.00001; gnomAD 0.00002.
gnomAD v4.1: 3 of 1,613,924 alleles (0.00019%); highest among the groups gnomAD compares: African/African-American, 0.004%; no homozygotes.

Submissions (6):

Myriad Genetics, Inc.
Classification: Pathogenic for Bloom syndrome. Last evaluated: 2026-06-02. Review status: criteria provided, single submitter. Criteria: Myriad Autosomal Dominant, Autosomal Recessive and X-Linked Classification Criteria (2023). Collection method: clinical testing. Allele origin: unknown.
Comment: NM_000057.3(BLM):c.3439A>T(K1147*) is a nonsense variant classified as pathogenic in the context of Bloom syndrome. K1147* has not been observed in cases with relevant disease. Relevant functional assessments of this variant are not available in the literature. K1147* has been observed in referenced population frequency databases. In summary, NM_000057.3(BLM):c.3439A>T(K1147*) is a nonsense variant in a gene where loss of function is a known mechanism of disease and is predicted to disrupt protein function. Please note: this variant was assessed in the context of healthy population screening.

Labcorp Genetics (formerly Invitae), Labcorp
Classification: Pathogenic for Bloom syndrome. Last evaluated: 2025-09-10. Review status: criteria provided, single submitter. Criteria: Invitae Variant Classification Sherloc (09022015). Collection method: clinical testing. Allele origin: germline.
Comment: This sequence change creates a premature translational stop signal (p.Lys1147*) in the BLM gene. It is expected to result in an absent or disrupted protein product. Loss-of-function variants in BLM are known to be pathogenic (PMID: 17407155). This variant is not present in population databases (gnomAD no frequency). This variant has not been reported in the literature in individuals affected with BLM-related conditions. ClinVar contains an entry for this variant (Variation ID: 562196). For these reasons, this variant has been classified as Pathogenic.

Natera, Inc.
Classification: Likely pathogenic for Bloom syndrome. Last evaluated: 2025-03-31. Review status: criteria provided, single submitter. Criteria: Natera Variant Classification Schema (03/2026). Collection method: clinical testing. Allele origin: germline.
Comment: The c.3439A>T variant in BLM is a nonsense variant predicted to introduce a stop codon at amino acid 1147. This variant is expected to result in nonsense mediated decay, truncation, or a dysfunctional protein product. This variant is rare in the general population with a frequency below the threshold expected for the associated phenotype(s). Given the available evidence, this variant is classified as Likely Pathogenic.

Greenwood Genetic Center Diagnostic Laboratories, Greenwood Genetic Center
Classification: Likely pathogenic for Bloom syndrome. Last evaluated: 2022-09-08. Review status: criteria provided, single submitter. Criteria: ACMG Guidelines, 2015. Collection method: clinical testing. Allele origin: germline. Affected: yes.
Comment: PVS2 PM2

Ambry Genetics
Classification: Pathogenic for Hereditary cancer-predisposing syndrome. Last evaluated: 2019-09-03. Review status: criteria provided, single submitter. Criteria: Ambry Variant Classification Scheme 2023. Collection method: clinical testing. Allele origin: germline.
Comment: The p.K1147* pathogenic mutation (also known as c.3439A>T), located in coding exon 17 of the BLM gene, results from an A to T substitution at nucleotide position 3439. This changes the amino acid from a lysine to a stop codon within coding exon 17. This alteration is expected to result in loss of function by premature protein truncation or nonsense-mediated mRNA decay. As such, this alteration is interpreted as a disease-causing mutation.

Mayo Clinic Laboratories, Mayo Clinic
Classification: Likely pathogenic for Bloom syndrome. Last evaluated: 2018-04-05. Review status: criteria provided, single submitter. Criteria: ACMG Guidelines, 2015. Collection method: clinical testing. Allele origin: paternal.

Literature cited by the submitters: PubMed 17407155 (cited by Labcorp Genetics (formerly Invitae), Labcorp).

NM_000057.4(BLM):c.3439A>T (p.Lys1147Ter)

Gene: BLM (BLM RecQ like helicase; plus strand). Cytogenetic location: 15q26.1.
Variant type: single nucleotide variant.
Coding change: c.3439A>T on transcript NM_000057.4 (MANE Select); coding-DNA position 3439, A replaced by T.
Protein change: p.Lys1147Ter; replaces lysine 1147 with a stop codon.
Molecular consequence: nonsense. On other transcripts: intron variant (1).
Genome position (GRCh38, 1-based): chr15:90,803,601, A>T. VCF-style: chr15-90803601-A-T. GRCh37 (hg19) VCF-style: chr15-91346831-A-T.
Other names: c.3439A>T, p.Lys1147Ter (NM_001287246.2); c.2314A>T, p.Lys772Ter (NM_001287248.2); c.3358+5264A>T (NM_001287247.2); short protein forms K1147*, K772*.
Identifiers: ClinVar variation 562196 (VCV000562196.18), dbSNP rs770311534, ClinGen allele CA7739035.